The following is an entry in ClinVar:

NM_001943.5(DSG2):c.1844T>C (p.Ile615Thr)

Gene: DSG2 (desmoglein 2; plus strand). Cytogenetic location: 18q12.1.
Variant type: single nucleotide variant.
Coding change: c.1844T>C on transcript NM_001943.5 (MANE Select); coding-DNA position 1844, T replaced by C.
Protein change: p.Ile615Thr; replaces isoleucine 615 with threonine.
Molecular consequence: missense variant.
Genome position (GRCh38, 1-based): chr18:31,538,943, T>C. VCF-style: chr18-31538943-T-C. GRCh37 (hg19) VCF-style: chr18-29118906-T-C.
Other names: short protein forms I615T.
Identifiers: ClinVar variation 3680289 (VCV003680289.2).
Genomic context (GRCh38, chr18:31,538,943, plus strand): 5'-ATGGCAGCGGCTGCAGGGAAGCACAGCATGACTCCTATGTGGGCCTGGGACCCGCAGCAA[T>C]TGCGCTCATGATTTTGGCCTTTCTGCTCCTGCTATGTAAGTCTTTAAAAGCCACTCTGTT-3'
Protein context (NP_001934.2, residues 605-625): DSYVGLGPAA[Ile615Thr]ALMILAFLLL

ClinVar aggregate classification (germline): Uncertain significance (1 of 4 stars; one submission).

Conditions:
Arrhythmogenic right ventricular dysplasia 10. Also called: Arrhythmogenic Right Ventricular Dysplasia/Cardiomyopathy10; ARRHYTHMOGENIC RIGHT VENTRICULAR DYSPLASIA, FAMILIAL, 10; Arrhythmogenic right ventricular dysplasia/cardiomyopathy, type 10. Identifiers: MedGen C1857777, MONDO:0012434, OMIM 610193.

Submission:

Labcorp Genetics (formerly Invitae), Labcorp
Classification: Uncertain significance for Arrhythmogenic right ventricular dysplasia 10. Last evaluated: 2024-03-07. Review status: criteria provided, single submitter. Criteria: Invitae Variant Classification Sherloc (09022015). Collection method: clinical testing. Allele origin: germline.
Comment: This sequence change replaces isoleucine, which is neutral and non-polar, with threonine, which is neutral and polar, at codon 615 of the DSG2 protein (p.Ile615Thr). This variant is not present in population databases (gnomAD no frequency). This variant has not been reported in the literature in individuals affected with DSG2-related conditions. Advanced modeling of protein sequence and biophysical properties (such as structural, functional, and spatial information, amino acid conservation, physicochemical variation, residue mobility, and thermodynamic stability) performed at Invitae indicates that this missense variant is not expected to disrupt DSG2 protein function with a negative predictive value of 95%. In summary, the available evidence is currently insufficient to determine the role of this variant in disease. Therefore, it has been classified as a Variant of Uncertain Significance.